The following is an entry in ClinVar:

ClinVar aggregate classification (germline): Benign/Likely benign. Review status: criteria provided, multiple submitters, no conflicts (2 of 4 stars). 5 submissions from 5 submitters: Benign (1); Likely benign (4). Last evaluated 2026-02-02.

Conditions:
Lipase deficiency, combined. Also called: LIPOPROTEIN LIPASE DEFICIENCY WITH HEPATIC TRIGLYCERIDE LIPASE DEFICIENCY; LPL AND HL DEFICIENCY; LPL AND HTGL DEFICIENCY. Identifiers: Orphanet 535453, MedGen C1855498, MONDO:0009527, OMIM 246650.
Cardiovascular phenotype. Identifiers: MedGen CN230736.

Allele frequency attached by ClinVar (database versions not stated): 1000 Genomes Project 30x 0.00047; 1000 Genomes Project 0.00060; gnomAD 0.00148 and 0.00149; gnomAD exomes 0.00152; TOPMed 0.00159; ESP Exome Variant Server 0.00192; ExAC 0.00197.
gnomAD v4.1: 3,775 of 1,607,406 alleles (0.23%); highest among the groups gnomAD compares: Non-Finnish European, 0.29%; 6 homozygotes.

Submissions (5):

Labcorp Genetics (formerly Invitae), Labcorp
Classification: Benign. Last evaluated: 2026-02-02. Review status: criteria provided, single submitter. Criteria: Invitae Variant Classification Sherloc (09022015). Collection method: clinical testing. Allele origin: germline.

Molecular Diagnostic Laboratory for Inherited Cardiovascular Disease, Montreal Heart Institute
Classification: Likely benign. Last evaluated: 2025-04-09. Review status: criteria provided, single submitter. Criteria: ACMG Guidelines, 2015. Collection method: clinical testing. Allele origin: germline. Affected: no.
Comment: BS1;BP6

Blueprint Genetics
Classification: Likely benign. Last evaluated: 2024-10-31. Review status: criteria provided, single submitter. Criteria: ACMG Guidelines, 2015. Collection method: clinical testing. Allele origin: germline.

Fulgent Genetics
Classification: Likely benign for Lipase deficiency, combined. Last evaluated: 2021-09-27. Review status: criteria provided, single submitter. Criteria: ACMG Guidelines, 2015. Collection method: clinical testing. Allele origin: unknown.

Ambry Genetics
Classification: Likely benign for Cardiovascular phenotype. Last evaluated: 2019-03-21. Review status: criteria provided, single submitter. Criteria: Ambry Variant Classification Scheme 2023. Collection method: clinical testing. Allele origin: germline.

NM_022773.4(LMF1):c.1608G>T (p.Val536=)

Gene: LMF1 (lipase maturation factor 1; minus strand). Cytogenetic location: 16p13.3.
Variant type: single nucleotide variant.
Coding change: c.1608G>T on transcript NM_022773.4 (MANE Select); coding-DNA position 1608, G replaced by T.
Protein change: p.Val536=; no amino-acid change (valine 536 retained).
Molecular consequence: synonymous variant. On other transcripts: missense variant (1), non-coding transcript variant (1).
Genome position (GRCh38, 1-based): chr16:854,628, C>A on the plus strand (G>T on the coding strand, the complement: LMF1 is on the minus strand). VCF-style: chr16-854628-C-A. GRCh37 (hg19) VCF-style: chr16-904628-C-A.
Other names: c.957G>T, p.Val319= (NM_001352017.2, NM_001352021.2); c.1209G>T, p.Val403= (NM_001352018.2); c.1281G>T, p.Val427= (NM_001352019.2); c.1528G>T, p.Ala510Ser (NM_001352020.1); short protein forms A510S.
Identifiers: ClinVar variation 733437 (VCV000733437.15), dbSNP rs201012186, ClinGen allele CA7796866.